The following is an entry in ClinVar:

ClinVar aggregate classification (germline): Pathogenic (1 of 4 stars; one submission).

Allele frequency attached by ClinVar (database versions not stated): gnomAD exomes below 0.00001; gnomAD 0.00001; TOPMed 0.00002.
gnomAD v4.1: 3 of 1,552,162 alleles (0.00019%); highest among the groups gnomAD compares: African/African-American, 0.0041%; no homozygotes.

Submission:

Labcorp Genetics (formerly Invitae), Labcorp
Classification: Pathogenic. Last evaluated: 2023-04-06. Review status: criteria provided, single submitter. Criteria: Invitae Variant Classification Sherloc (09022015). Collection method: clinical testing. Allele origin: germline.
Comment: This sequence change creates a premature translational stop signal (p.Gln524*) in the LAMC3 gene. It is expected to result in an absent or disrupted protein product. Loss-of-function variants in LAMC3 are known to be pathogenic (PMID: 21572413, 26802095). This variant is not present in population databases (gnomAD no frequency). This variant has not been reported in the literature in individuals affected with LAMC3-related conditions. For these reasons, this variant has been classified as Pathogenic.

Literature cited by the submitters: PubMed 21572413; PubMed 26802095.

NM_006059.4(LAMC3):c.1570C>T (p.Gln524Ter)

Gene: LAMC3 (laminin subunit gamma 3; plus strand). Cytogenetic location: 9q34.12.
Variant type: single nucleotide variant.
Coding change: c.1570C>T on transcript NM_006059.4 (MANE Select); coding-DNA position 1570, C replaced by T.
Protein change: p.Gln524Ter; replaces glutamine 524 with a stop codon.
Molecular consequence: nonsense.
Genome position (GRCh38, 1-based): chr9:131,049,070, C>T. VCF-style: chr9-131049070-C-T. GRCh37 (hg19) VCF-style: chr9-133924457-C-T.
Other names: short protein forms Q524*.
Identifiers: ClinVar variation 2895059 (VCV002895059.3), dbSNP rs1396707186, ClinGen allele CA375263223.